The following is an entry in ClinVar:

ClinVar aggregate classification (germline): Likely pathogenic. Review status: criteria provided, multiple submitters, no conflicts (2 of 4 stars). 4 submissions from 4 submitters: Likely pathogenic (2). 2 of the submissions do not count toward it. Last evaluated 2024-03-14.

Conditions:
Glycogen storage disease, type V (GSD5). Also called: PYGM DEFICIENCY; McArdle type glycogen storage disease; MYOPHOSPHORYLASE DEFICIENCY; MCARDLE DISEASE; MUSCLE GLYCOGEN PHOSPHORYLASE DEFICIENCY. Identifiers: Orphanet 368, MedGen C0017924, MONDO:0009293, OMIM 232600.

Allele frequency attached by ClinVar (database versions not stated): gnomAD 0.00001; gnomAD exomes 0.00001; ExAC 0.00002.
gnomAD v4.1: 7 of 1,612,212 alleles (0.00043%); highest among the groups gnomAD compares: Non-Finnish European, 0.00059%; no homozygotes.

Submissions (4):

Baylor Genetics
Classification: Likely pathogenic for Glycogen storage disease, type V. Last evaluated: 2024-03-14. Review status: criteria provided, single submitter. Criteria: ACMG Guidelines, 2015. Collection method: clinical testing. Allele origin: unknown.

Labcorp Genetics (formerly Invitae), Labcorp
Classification: Likely pathogenic for Glycogen storage disease, type V. Last evaluated: 2023-08-02. Review status: criteria provided, single submitter. Criteria: Invitae Variant Classification Sherloc (09022015). Collection method: clinical testing. Allele origin: germline.
Comment: This sequence change affects a donor splice site in intron 9 of the PYGM gene. It is expected to disrupt RNA splicing. Variants that disrupt the donor or acceptor splice site typically lead to a loss of protein function (PMID: 16199547), and loss-of-function variants in PYGM are known to be pathogenic (PMID: 8316268, 16786513). This variant is present in population databases (rs749560316, gnomAD 0.003%). Disruption of this splice site has been observed in individual(s) with glycogen storage disease (PMID: 16786513). ClinVar contains an entry for this variant (Variation ID: 370110). Algorithms developed to predict the effect of sequence changes on RNA splicing suggest that this variant may disrupt the consensus splice site. In summary, the currently available evidence indicates that the variant is pathogenic, but additional data are needed to prove that conclusively. Therefore, this variant has been classified as Likely Pathogenic.

Natera, Inc.
Classification: Likely pathogenic for Glycogen storage disease V. Last evaluated: 2020-10-06. Review status: no assertion criteria provided. Collection method: clinical testing. Allele origin: germline. Not counted in ClinVar's aggregate classification.

Counsyl
Classification: Likely pathogenic for Glycogen storage disease, type V. Last evaluated: 2015-11-19. Review status: no assertion criteria provided. Collection method: clinical testing. Allele origin: unknown. Not counted in ClinVar's aggregate classification.

Literature cited by the submitters: PubMed 16199547 (cited by Labcorp Genetics (formerly Invitae), Labcorp); PubMed 8316268 (cited by Labcorp Genetics (formerly Invitae), Labcorp); PubMed 16786513 (cited by Labcorp Genetics (formerly Invitae), Labcorp and Counsyl).

NM_005609.4(PYGM):c.1092+1G>A

Gene: PYGM (glycogen phosphorylase, muscle associated; minus strand). Cytogenetic location: 11q13.1.
Variant type: single nucleotide variant.
Coding change: c.1092+1G>A on transcript NM_005609.4 (MANE Select); the canonical splice donor site of the intron after coding-DNA position 1092, G replaced by A.
Molecular consequence: splice donor variant.
Genome position (GRCh38, 1-based): chr11:64,754,252, C>T on the plus strand (G>A on the coding strand, the complement: PYGM is on the minus strand). VCF-style: chr11-64754252-C-T. GRCh37 (hg19) VCF-style: chr11-64521724-C-T.
Other names: c.828+1G>A (NM_001164716.1).
Identifiers: ClinVar variation 370110 (VCV000370110.16), dbSNP rs749560316, ClinGen allele CA6080017.